The following is an entry in ClinVar:

ClinVar aggregate classification (germline): Uncertain significance. Review status: criteria provided, multiple submitters, no conflicts (2 of 4 stars). 2 submissions from 2 submitters: Uncertain significance (2). Last evaluated 2022-05-03.

Conditions:
Cardiovascular phenotype. Identifiers: MedGen CN230736.
Alstrom syndrome (ALMS). Identifiers: Orphanet 64, MedGen C0268425, MONDO:0008763, OMIM 203800.

Submissions (2):

Labcorp Genetics (formerly Invitae), Labcorp
Classification: Uncertain significance for Alstrom syndrome. Last evaluated: 2022-05-03. Review status: criteria provided, single submitter. Criteria: Invitae Variant Classification Sherloc (09022015). Collection method: clinical testing. Allele origin: germline.
Comment: This variant has not been reported in the literature in individuals affected with ALMS1-related conditions. In summary, the available evidence is currently insufficient to determine the role of this variant in disease. Therefore, it has been classified as a Variant of Uncertain Significance. Experimental studies and prediction algorithms are not available or were not evaluated, and the functional significance of this variant is currently unknown. This variant is not present in population databases (gnomAD no frequency). This sequence change replaces alanine, which is neutral and non-polar, with glycine, which is neutral and non-polar, at codon 1648 of the ALMS1 protein (p.Ala1648Gly).

Ambry Genetics
Classification: Uncertain significance for Cardiovascular phenotype. Last evaluated: 2022-03-21. Review status: criteria provided, single submitter. Criteria: Ambry Variant Classification Scheme 2023. Collection method: clinical testing. Allele origin: germline.
Comment: The p.A1648G variant (also known as c.4943C>G), located in coding exon 8 of the ALMS1 gene, results from a C to G substitution at nucleotide position 4943. The alanine at codon 1648 is replaced by glycine, an amino acid with similar properties. This amino acid position is poorly conserved in available vertebrate species. In addition, this alteration is predicted to be tolerated by in silico analysis. Since supporting evidence is limited at this time, the clinical significance of this alteration remains unclear.

NM_001378454.1(ALMS1):c.4940C>G (p.Ala1647Gly)

Gene: ALMS1 (ALMS1 centrosome and basal body associated protein; plus strand). Cytogenetic location: 2p13.1.
Variant type: single nucleotide variant.
Coding change: c.4940C>G on transcript NM_001378454.1 (MANE Select); coding-DNA position 4940, C replaced by G.
Protein change: p.Ala1647Gly; replaces alanine 1647 with glycine.
Molecular consequence: missense variant.
Genome position (GRCh38, 1-based): chr2:73,451,467, C>G. VCF-style: chr2-73451467-C-G. GRCh37 (hg19) VCF-style: chr2-73678594-C-G.
Other names: c.4943C>G, p.Ala1648Gly (NM_015120.4); short protein forms A1647G, A1648G.
Identifiers: ClinVar variation 1442311 (VCV001442311.8), dbSNP rs2103784552, ClinGen allele CA347279581.